The following is an entry in ClinVar:

ClinVar aggregate classification (germline): Likely benign. Review status: criteria provided, multiple submitters, no conflicts (2 of 4 stars). 3 submissions from 3 submitters: Likely benign (2). 1 of the submissions does not count toward it. Last evaluated 2026-02-02.

Conditions:
SNX10-related disorder. Also called: SNX10-related condition.
Autosomal recessive osteopetrosis 8. Identifiers: Orphanet 667, MedGen C3554478, MONDO:0014040, OMIM 615085.

Allele frequency attached by ClinVar (database versions not stated): 1000 Genomes Project 0.00060; TOPMed 0.00060; 1000 Genomes Project 30x 0.00062; ExAC 0.00078; gnomAD 0.00043 and 0.00044.
gnomAD v4.1: 394 of 1,590,114 alleles (0.025%); highest among the groups gnomAD compares: Admixed American, 0.64%; 2 homozygotes.

Submissions (6):

Labcorp Genetics (formerly Invitae), Labcorp
Classification: Likely benign. Last evaluated: 2026-02-02. Review status: criteria provided, single submitter. Criteria: Invitae Variant Classification Sherloc (09022015). Collection method: clinical testing. Allele origin: germline.

Fulgent Genetics
Classification: Likely benign for Autosomal recessive osteopetrosis 8. Last evaluated: 2021-08-09. Review status: criteria provided, single submitter. Criteria: ACMG Guidelines, 2015. Collection method: clinical testing. Allele origin: unknown.

PreventionGenetics, part of Exact Sciences
Classification: Benign for SNX10-related condition. Last evaluated: 2020-04-27. Review status: no assertion criteria provided. Collection method: clinical testing. Allele origin: germline. Not counted in ClinVar's aggregate classification.
Comment: This variant is classified as benign based on ACMG/AMP sequence variant interpretation guidelines (Richards et al. 2015 PMID: 25741868, with internal and published modifications).

Dr. Peter K. Rogan Lab, Western University
No classification provided (evidence only). Condition: Clear cell carcinoma of kidney. Review status: no classification provided. Collection method: in vitro. Allele origin: not applicable. Functional consequence: skipped exon. Not counted in ClinVar's aggregate classification.

Dr. Peter K. Rogan Lab, Western University
No classification provided (evidence only). Condition: Cervical cancer. Review status: no classification provided. Collection method: in vitro. Allele origin: not applicable. Functional consequence: skipped exon, retained intron. Not counted in ClinVar's aggregate classification.

Dr. Peter K. Rogan Lab, Western University
No classification provided (evidence only). Condition: Malignant tumor of esophagus. Review status: no classification provided. Collection method: in vitro. Allele origin: not applicable. Functional consequence: skipped exon, retained intron. Not counted in ClinVar's aggregate classification.

NM_013322.3(SNX10):c.212+4A>T

Gene: SNX10 (sorting nexin 10; plus strand). Cytogenetic location: 7p15.2.
Variant type: single nucleotide variant.
Coding change: c.212+4A>T on transcript NM_013322.3 (MANE Select); 4 bases into the intron after coding-DNA position 212, A replaced by T.
Molecular consequence: intron variant.
Genome position (GRCh38, 1-based): chr7:26,364,639, A>T. VCF-style: chr7-26364639-A-T. GRCh37 (hg19) VCF-style: chr7-26404259-A-T.
Other names: c.290+4A>T (NM_001362754.1, NM_001362753.1, NM_001318198.1); c.212+4A>T (NM_001199835.1, NM_001318199.3); c.203+4A>T (NM_001199837.3); c.-41+137A>T (NM_001199838.2).
Identifiers: ClinVar variation 734655 (VCV000734655.13), dbSNP rs183941048, ClinGen allele CA4195198.
Genomic context (GRCh38, chr7:26,364,639, plus strand): 5'-AAGATATAGAGAATTCGTGTGGCTGAGGCAGAGACTCCAAAGTAATGCGTTGCTGGTGTA[A>T]GTGATTTAGAGTATACTGTGGAGACTTTGTCATTATATTCAGTATTTAAAATTGACGTTC-3'